The following is an entry in ClinVar:

ClinVar aggregate classification (germline): Uncertain significance. Review status: criteria provided, multiple submitters, no conflicts (2 of 4 stars). 2 submissions from 2 submitters: Uncertain significance (2). Last evaluated 2018-01-13.

Conditions:
Maturity-onset diabetes of the young (MODY). Also called: Maturity onset diabetes mellitus in young. Identifiers: Orphanet 552, MedGen C0342276, MONDO:0018911, HP:0004904.
Maturity-onset diabetes of the young type 3. Also called: MODY type 3; MODY, type III. Identifiers: Orphanet 552, MedGen C1838100, MeSH C563933, MONDO:0010894, OMIM 600496. Disease mechanism: loss of function.

Submissions (2):

Illumina Laboratory Services, Illumina
Classification: Uncertain significance for Maturity-onset diabetes of the young type 3. Last evaluated: 2018-01-13. Review status: criteria provided, single submitter. Criteria: ICSL Variant Classification Criteria 13 December 2019. Collection method: clinical testing. Allele origin: germline.

Clinical Genomics, Uppaluri K&H Personalized Medicine Clinic
Classification: Uncertain significance for Maturity-onset diabetes of the young. Review status: criteria provided, single submitter. Criteria: K & H Uppaluri Personalized Medicine Clinic Variant Classification & Assertion Criteria_Updated V.1. Collection method: research. Allele origin: unknown. Inheritance: Autosomal dominant inheritance.
Comment: Mutations in HNF1A gene can predispose to MODY3. It is associated with both micro and macrovascular complications of diabetes, especially cardiovascular complications. Associated with glucosuria. May respond well to sulfonylureas. However, more evidence is required to confer the association of this particular variant rs1877098583 with MODY3.

Literature cited by the submitters: PubMed 31517624 (cited by Clinical Genomics, Uppaluri K&H Personalized Medicine Clinic); PubMed 32395877 (cited by Clinical Genomics, Uppaluri K&H Personalized Medicine Clinic); PubMed 35328643 (cited by Clinical Genomics, Uppaluri K&H Personalized Medicine Clinic); PubMed 35673428 (cited by Clinical Genomics, Uppaluri K&H Personalized Medicine Clinic).

NM_000545.8(HNF1A):c.1060A>G (p.Thr354Ala)

Gene: HNF1A (HNF1 homeobox A; plus strand). Cytogenetic location: 12q24.31.
Variant type: single nucleotide variant.
Coding change: c.1060A>G on transcript NM_000545.8 (MANE Select); coding-DNA position 1060, A replaced by G.
Protein change: p.Thr354Ala; replaces threonine 354 with alanine.
Molecular consequence: missense variant.
Genome position (GRCh38, 1-based): chr12:120,996,366, A>G. VCF-style: chr12-120996366-A-G. GRCh37 (hg19) VCF-style: chr12-121434169-A-G.
Other names: c.1060A>G, p.Thr354Ala (NM_001306179.2); short protein forms T354A.
Identifiers: ClinVar variation 880880 (VCV000880880.5), dbSNP rs1877098583, ClinGen allele CA386968332.